The following is an entry in ClinVar:

NM_000037.4(ANK1):c.274G>T (p.Glu92Ter)

Gene: ANK1 (ankyrin 1; minus strand). Cytogenetic location: 8p11.21.
Variant type: single nucleotide variant.
Coding change: c.274G>T on transcript NM_000037.4 (MANE Select); coding-DNA position 274, G replaced by T.
Protein change: p.Glu92Ter; replaces glutamic acid 92 with a stop codon.
Molecular consequence: nonsense.
Genome position (GRCh38, 1-based): chr8:41,727,961, C>A on the plus strand (G>T on the coding strand, the complement: ANK1 is on the minus strand). VCF-style: chr8-41727961-C-A. GRCh37 (hg19) VCF-style: chr8-41585479-C-A.
Other names: c.373G>T, p.Glu125Ter (NM_001142446.2); c.274G>T, p.Glu92Ter (NM_020475.3, NM_020476.3, NM_020477.3); short protein forms E125*, E92*.
Identifiers: ClinVar variation 3392484 (VCV003392484.2).
Genomic context (GRCh38, chr8:41,727,961, plus strand): 5'-CCATTACCTGTGACTGGGCGTTGACGTTGGCTCCATAGTTGACAAGCTCCCGGACCACCT[C>A]ATCCTGCCCGGCTAGAGCAGCGATGTGCAGGGCCGTGTTCCCCTTCTGAAACACATGGGG-3'

ClinVar aggregate classification (germline): Pathogenic (1 of 4 stars; one submission).

Conditions:
Hereditary spherocytosis type 1. Also called: Spherocytosis type 1; ANK1-Related Spherocytosis. Identifiers: Orphanet 822, MedGen C2674218, MONDO:0008447, OMIM 182900.

Submission:

Juno Genomics, Hangzhou Juno Genomics, Inc
Classification: Pathogenic for Hereditary spherocytosis type 1. Review status: criteria provided, single submitter. Criteria: ACMG Guidelines, 2015. Collection method: clinical testing. Allele origin: germline. Affected: yes.
Comment: Absent from controls (or at extremely low frequency if recessive) in Genome Aggregation Database, Exome Sequencing Project, 1000 Genomes Project, or Exome Aggregation Consortium.;Null variant in a gene where loss of function (LOF) is a known mechanism of disease.;Patient's phenotype or family history is highly specific for a disease with a single genetic etiology.